The following is an entry in ClinVar:

ClinVar aggregate classification (germline): Uncertain significance (1 of 4 stars; one submission).

Conditions:
Muscular dystrophy-dystroglycanopathy (congenital with brain and eye anomalies), type A3. Also called: Congenital muscular dystrophy-dystroglycanopathy with brain and eye anomalies, type A3; Muscular dystrophy-dystroglycanopathy (congenital with brain and eye anomalies), type A, 3; WALKER-WARBURG SYNDROME OR MUSCLE-EYE-BRAIN DISEASE, POMGNT1-RELATED. Identifiers: MedGen C3151519, MONDO:0009667, OMIM 253280.

gnomAD v4.1: 3 of 1,589,060 alleles (0.00019%); highest among the groups gnomAD compares: South Asian, 0.0034%; no homozygotes.

Submission:

Department of Paediatric Medicine, Post Graduation Institute of Medical Education and Research
Classification: Uncertain significance for Muscular dystrophy-dystroglycanopathy (congenital with brain and eye anomalies), type A3. Last evaluated: 2025-02-19. Review status: criteria provided, single submitter. Criteria: ACMG Guidelines, 2015. Collection method: clinical testing. Allele origin: inherited. Inheritance: Autosomal recessive inheritance. Affected: yes. Observed: 1 variant allele, 1 homozygote.
Comment: A homozygous synonymous variant in exon 6 in POMGNT1 gene was detected. This variant has not been reported in gnomAD and 1000G. Reference codon is conserved across species. PM2, and PP3 (Aggregated score: 0.8) which predicts predicts a deleterious effect.

NM_017739.4(POMGNT1):c.534G>A (p.Lys178=)

Genes: POMGNT1 (protein O-linked mannose N-acetylglucosaminyltransferase 1 (beta 1,2-); minus strand), TSPAN1 (tetraspanin 1; plus strand). Cytogenetic location: 1p34.1.
Variant type: single nucleotide variant.
Coding change: c.534G>A on transcript NM_017739.4 (MANE Select); coding-DNA position 534, G replaced by A.
Protein change: p.Lys178=; no amino-acid change (lysine 178 retained).
Molecular consequence: synonymous variant.
Genome position (GRCh38, 1-based): chr1:46,195,811, C>T on the plus strand (G>A on the coding strand, the complement: POMGNT1 is on the minus strand). VCF-style: chr1-46195811-C-T. GRCh37 (hg19) VCF-style: chr1-46661483-C-T.
Other names: c.534G>A, p.Lys178= (NM_001243766.2, NM_001410783.1); c.468G>A, p.Lys156= (NM_001290129.3); c.105G>A, p.Lys35= (NM_001290130.2).
Identifiers: ClinVar variation 3764774 (VCV003764774.2).